The following is an entry in ClinVar:

NM_005465.7(AKT3):c.1416C>G (p.Ser472=)

Gene: AKT3 (AKT serine/threonine kinase 3; minus strand). Cytogenetic location: 1q44.
Variant type: single nucleotide variant.
Coding change: c.1416C>G on transcript NM_005465.7 (MANE Select); coding-DNA position 1416, C replaced by G.
Protein change: p.Ser472=; no amino-acid change (serine 472 retained).
Molecular consequence: synonymous variant. On other transcripts: intron variant (2).
Genome position (GRCh38, 1-based): chr1:243,505,273, G>C on the plus strand (C>G on the coding strand, the complement: AKT3 is on the minus strand). VCF-style: chr1-243505273-G-C. GRCh37 (hg19) VCF-style: chr1-243668575-G-C.
Other names: c.1416C>G, p.Ser472= (NM_001370074.1); c.1355-5487C>G (NM_181690.2, NM_001206729.2).
Identifiers: ClinVar variation 513545 (VCV000513545.32), dbSNP rs148332912, ClinGen allele CA1483899.

ClinVar aggregate classification (germline): Benign/Likely benign. Review status: criteria provided, multiple submitters, no conflicts (2 of 4 stars). 4 submissions from 4 submitters: Benign (2); Likely benign (2). Last evaluated 2026-06-01.

Conditions:
Megalencephaly-polymicrogyria-polydactyly-hydrocephalus syndrome 2 (MPPH2). Also called: MEGALENCEPHALY-POLYMICROGYRIA-POLYDACTYLY-HYDROCEPHALUS SYNDROME 2, SOMATIC. Identifiers: Orphanet 83473, MedGen C4014738, MONDO:0014407, OMIM 615937.

Allele frequency attached by ClinVar (database versions not stated): gnomAD exomes 0.00089; ExAC 0.00113; 1000 Genomes Project 0.00260; 1000 Genomes Project 30x 0.00297; gnomAD 0.00324 and 0.00352; ESP Exome Variant Server 0.00384; TOPMed 0.00390.
gnomAD v4.1: 948 of 1,614,058 alleles (0.059%); highest among the groups gnomAD compares: African/African-American, 1.2%; 6 homozygotes.

Submissions (4):

CeGaT Center for Human Genetics Tuebingen
Classification: Likely benign. Last evaluated: 2026-06-01. Review status: criteria provided, single submitter. Criteria: CeGaT Center For Human Genetics Tuebingen Variant Classification Criteria Version 2. Collection method: clinical testing. Allele origin: germline. Affected: yes. Observed: 2 variant alleles.
Comment: AKT3: BP4, BS1

Labcorp Genetics (formerly Invitae), Labcorp
Classification: Benign for Megalencephaly-polymicrogyria-polydactyly-hydrocephalus syndrome 2. Last evaluated: 2025-12-03. Review status: criteria provided, single submitter. Criteria: Invitae Variant Classification Sherloc (09022015). Collection method: clinical testing. Allele origin: germline.

Blueprint Genetics
Classification: Likely benign. Last evaluated: 2024-10-24. Review status: criteria provided, single submitter. Criteria: ACMG Guidelines, 2015. Collection method: clinical testing. Allele origin: germline.

GeneDx
Classification: Benign. Last evaluated: 2018-01-04. Review status: criteria provided, single submitter. Criteria: GeneDx Variant Classification (06012015). Collection method: clinical testing. Allele origin: germline. Affected: yes.
Comment: This variant is considered likely benign or benign based on one or more of the following criteria: it is a conservative change, it occurs at a poorly conserved position in the protein, it is predicted to be benign by multiple in silico algorithms, and/or has population frequency not consistent with disease.